The following is an entry in ClinVar:

NM_198253.3(TERT):c.2776G>A (p.Gly926Ser)

Gene: TERT (telomerase reverse transcriptase; minus strand). Cytogenetic location: 5p15.33.
Variant type: single nucleotide variant.
Coding change: c.2776G>A on transcript NM_198253.3 (MANE Select); coding-DNA position 2776, G replaced by A.
Protein change: p.Gly926Ser; replaces glycine 926 with serine.
Molecular consequence: missense variant. On other transcripts: intron variant (1).
Genome position (GRCh38, 1-based): chr5:1,264,471, C>T on the plus strand (G>A on the coding strand, the complement: TERT is on the minus strand). VCF-style: chr5-1264471-C-T. GRCh37 (hg19) VCF-style: chr5-1264586-C-T.
Other names: c.2654+1993G>A (NM_001193376.3); short protein forms G926S.
Identifiers: ClinVar variation 653421 (VCV000653421.11), dbSNP rs547377569, ClinGen allele CA3184397.

ClinVar aggregate classification (germline): Conflicting classifications of pathogenicity. Review status: criteria provided, conflicting classifications (1 of 4 stars). 2 submissions from 2 submitters: Uncertain significance (1); Likely benign (1). Last evaluated 2025-06-13.

Conditions:
Dyskeratosis congenita, autosomal dominant 2. Identifiers: MedGen C3151443, MONDO:0013521, OMIM 613989.
Idiopathic Pulmonary Fibrosis. Also called: Idiopathic fibrosing alveolitis, chronic form; idiopathic fibrosing alveolitis. Identifiers: Orphanet 2032, MedGen C1800706, MeSH D054990, MONDO:0800504.
Dyskeratosis congenita. Identifiers: Orphanet 1775, MedGen C0265965, MONDO:0015780.

Allele frequency attached by ClinVar (database versions not stated): gnomAD 0.00001 and 0.00002; gnomAD exomes 0.00001 and 0.00004; ExAC 0.00005; 1000 Genomes Project 0.00040; 1000 Genomes Project 30x 0.00047.
gnomAD v4.1: 15 of 1,613,850 alleles (0.00093%); highest among the groups gnomAD compares: South Asian, 0.0066%; no homozygotes.

Submissions (2):

Labcorp Genetics (formerly Invitae), Labcorp
Classification: Likely benign for Dyskeratosis congenita, autosomal dominant 2; Idiopathic Pulmonary Fibrosis. Last evaluated: 2025-06-13. Review status: criteria provided, single submitter. Criteria: Invitae Variant Classification Sherloc (09022015). Collection method: clinical testing. Allele origin: germline.

Ambry Genetics
Classification: Uncertain significance for Dyskeratosis congenita. Last evaluated: 2024-08-29. Review status: criteria provided, single submitter. Criteria: Ambry Variant Classification Scheme 2023. Collection method: clinical testing. Allele origin: germline.
Comment: The p.G926S variant (also known as c.2776G>A), located in coding exon 11 of the TERT gene, results from a G to A substitution at nucleotide position 2776. The glycine at codon 926 is replaced by serine, an amino acid with similar properties. This amino acid position is not conserved on species alignment. In addition, this alteration is predicted to be tolerated by in silico analysis. Based on the available evidence, the clinical significance of this variant remains unclear.